The following is an entry in ClinVar:

NM_000327.4(ROM1):c.377C>G (p.Pro126Arg)

Gene: ROM1 (retinal outer segment membrane protein 1; plus strand). Cytogenetic location: 11q12.3.
Variant type: single nucleotide variant.
Coding change: c.377C>G on transcript NM_000327.4 (MANE Select); coding-DNA position 377, C replaced by G.
Protein change: p.Pro126Arg; replaces proline 126 with arginine.
Molecular consequence: missense variant.
Genome position (GRCh38, 1-based): chr11:62,613,658, C>G. VCF-style: chr11-62613658-C-G. GRCh37 (hg19) VCF-style: chr11-62381130-C-G.
Other names: c.377C>G (NM_000327.3); short protein forms P126R.
Identifiers: ClinVar variation 1384580 (VCV001384580.11), dbSNP rs200183298, ClinGen allele CA6049728.

ClinVar aggregate classification (germline): Uncertain significance. Review status: criteria provided, multiple submitters, no conflicts (2 of 4 stars). 3 submissions from 3 submitters: Uncertain significance (3). Last evaluated 2024-11-19.

Allele frequency attached by ClinVar (database versions not stated): ExAC 0.00002; gnomAD exomes 0.00002 and 0.00005; gnomAD 0.00004; TOPMed 0.00004; ESP Exome Variant Server 0.00038.

Submissions (3):

Labcorp Genetics (formerly Invitae), Labcorp
Classification: Uncertain significance. Last evaluated: 2024-11-19. Review status: criteria provided, single submitter. Criteria: Invitae Variant Classification Sherloc (09022015). Collection method: clinical testing. Allele origin: germline.
Comment: This sequence change replaces proline, which is neutral and non-polar, with arginine, which is basic and polar, at codon 126 of the ROM1 protein (p.Pro126Arg). This variant is present in population databases (rs200183298, gnomAD 0.007%). This variant has not been reported in the literature in individuals affected with ROM1-related conditions. ClinVar contains an entry for this variant (Variation ID: 1384580). Invitae Evidence Modeling of protein sequence and biophysical properties (such as structural, functional, and spatial information, amino acid conservation, physicochemical variation, residue mobility, and thermodynamic stability) indicates that this missense variant is not expected to disrupt ROM1 protein function with a negative predictive value of 80%. In summary, the available evidence is currently insufficient to determine the role of this variant in disease. Therefore, it has been classified as a Variant of Uncertain Significance.

Ambry Genetics
Classification: Uncertain significance. Last evaluated: 2024-05-01. Review status: criteria provided, single submitter. Criteria: Ambry Variant Classification Scheme 2023. Collection method: clinical testing. Allele origin: germline.

Blueprint Genetics
Classification: Uncertain significance. Last evaluated: 2023-09-07. Review status: criteria provided, single submitter. Criteria: ACMG Guidelines, 2015. Collection method: clinical testing. Allele origin: germline.